The following is an entry in ClinVar:

ClinVar aggregate classification (germline): Uncertain significance. Review status: criteria provided, multiple submitters, no conflicts (2 of 4 stars). 2 submissions from 2 submitters: Uncertain significance (2). Last evaluated 2025-08-06.

Conditions:
Inborn genetic diseases. Identifiers: MedGen C0950123, MeSH D030342.

gnomAD v4.1: 7 of 1,613,856 alleles (0.00043%); highest among the groups gnomAD compares: East Asian, 0.013%; no homozygotes.

Submissions (2):

Labcorp Genetics (formerly Invitae), Labcorp
Classification: Uncertain significance. Last evaluated: 2025-08-06. Review status: criteria provided, single submitter. Criteria: Invitae Variant Classification Sherloc (09022015). Collection method: clinical testing. Allele origin: germline.
Comment: This sequence change replaces glycine, which is neutral and non-polar, with aspartic acid, which is acidic and polar, at codon 2035 of the VCAN protein (p.Gly2035Asp). This variant is present in population databases (rs781519957, gnomAD 0.03%). This variant has not been reported in the literature in individuals affected with VCAN-related conditions. ClinVar contains an entry for this variant (Variation ID: 3331920). An algorithm developed to predict the effect of missense changes on protein structure and function outputs the following: PolyPhen-2: "Benign". The aspartic acid amino acid residue is found in multiple mammalian species, which suggests that this missense change does not adversely affect protein function. In summary, the available evidence is currently insufficient to determine the role of this variant in disease. Therefore, it has been classified as a Variant of Uncertain Significance.

Ambry Genetics
Classification: Uncertain significance for Inborn genetic diseases. Last evaluated: 2024-05-28. Review status: criteria provided, single submitter. Criteria: Ambry Variant Classification Scheme 2023. Collection method: clinical testing. Allele origin: germline.

NM_004385.5(VCAN):c.6104G>A (p.Gly2035Asp)

Genes: VCAN (versican; plus strand), VCAN-AS1 (VCAN antisense RNA 1; minus strand). Cytogenetic location: 5q14.3.
Variant type: single nucleotide variant.
Coding change: c.6104G>A on transcript NM_004385.5 (MANE Select); coding-DNA position 6104, G replaced by A.
Protein change: p.Gly2035Asp; replaces glycine 2035 with aspartic acid.
Molecular consequence: missense variant. On other transcripts: intron variant (2).
Genome position (GRCh38, 1-based): chr5:83,539,107, G>A. VCF-style: chr5-83539107-G-A. GRCh37 (hg19) VCF-style: chr5-82834926-G-A.
Other names: c.3143G>A, p.Gly1048Asp (NM_001164097.2); c.4004-6430G>A (NM_001164098.2); c.1043-6430G>A (NM_001126336.3); short protein forms G1048D, G2035D.
Identifiers: ClinVar variation 3331920 (VCV003331920.3).